The following is an entry in ClinVar:

NM_000540.3(RYR1):c.6549-14C>T

Gene: RYR1 (ryanodine receptor 1; plus strand). Cytogenetic location: 19q13.2.
Variant type: single nucleotide variant.
Coding change: c.6549-14C>T on transcript NM_000540.3 (MANE Select); 14 bases into the intron before coding-DNA position 6549, C replaced by T.
Molecular consequence: intron variant.
Genome position (GRCh38, 1-based): chr19:38,496,201, C>T. VCF-style: chr19-38496201-C-T. GRCh37 (hg19) VCF-style: chr19-38986841-C-T.
Other names: c.6549-14C>T (NM_001042723.2).
Identifiers: ClinVar variation 3071135 (VCV003071135.1), dbSNP rs2514285889, ClinGen allele CA2825002776.
Genomic context (GRCh38, chr19:38,496,201, plus strand): 5'-GCTGTCACAGTGGTGGCTATGGCCCTCTCCGGACCTGGGCCCCTGGTGACCCCGCACACT[C>T]TGCCCGTGCACAGGAACATCATGAACAACAAAGTCTTCTACCAACACCCGAACCTGATGA-3'

ClinVar aggregate classification (germline): Likely benign (1 of 4 stars; one submission).

Conditions:
Malignant hyperthermia, susceptibility to, 1 (MHS1). Also called: Anesthesia related hyperthermia; Malignant hyperpyrexia; Fulminating hyperpyrexia; Pharmacogenic myopathy; RYR1-Related Malignant Hyperthermia Susceptibility; Malignant hyperthermia suceptibility 1. Identifiers: Orphanet 423, MedGen C2930980, MONDO:0007783, OMIM 145600.

Submission:

All of Us Research Program, National Institutes of Health
Classification: Likely benign for Malignant hyperthermia, susceptibility to, 1. Last evaluated: 2023-05-16. Review status: criteria provided, single submitter. Criteria: ACMG Guidelines, 2015. Collection method: clinical testing. Allele origin: germline. Inheritance: Autosomal dominant inheritance. Observed: 1 variant allele, 1 heterozygote.
Comment: This study involves interpretation of variants in research participants for the purpose of population health screening. Participant phenotype was not available at the time of variant classification. Additional details can be found in publication PMID: 35346344, PMCID: PMC8962531